The following is an entry in ClinVar:

ClinVar aggregate classification (germline): Pathogenic (1 of 4 stars; one submission).

Submission:

Labcorp Genetics (formerly Invitae), Labcorp
Classification: Pathogenic. Last evaluated: 2024-06-21. Review status: criteria provided, single submitter. Criteria: Invitae Variant Classification Sherloc (09022015). Collection method: clinical testing. Allele origin: germline.
Comment: This sequence change creates a premature translational stop signal (p.Thr18Asnfs*35) in the SLC25A38 gene. It is expected to result in an absent or disrupted protein product. Loss-of-function variants in SLC25A38 are known to be pathogenic (PMID: 19412178, 25985931). This variant is not present in population databases (gnomAD no frequency). This variant has not been reported in the literature in individuals affected with SLC25A38-related conditions. For these reasons, this variant has been classified as Pathogenic.

Literature cited by the submitters: PubMed 19412178; PubMed 25985931.

NM_017875.4(SLC25A38):c.52dup (p.Thr18fs)

Genes: SLC25A38 (solute carrier family 25 member 38; plus strand), LOC129936510 (ATAC-STARR-seq lymphoblastoid active region 19704; plus strand). Cytogenetic location: 3p22.1.
Variant type: Duplication.
Coding change: c.52dup on transcript NM_017875.4 (MANE Select); coding-DNA position 52, one base duplicated (A; older notation c.52dupA).
Protein change: p.Thr18fs; shifts the reading frame from threonine 18.
Molecular consequence: frameshift variant.
Genome position (GRCh38, 1-based): chr3:39,383,776, A duplicated. VCF-style (leftmost placement, unchanged base first): chr3-39383775-C-CA. GRCh37 (hg19) VCF-style: chr3-39425266-C-CA.
Other names: c.52dup, p.Thr18fs (NM_001354798.2); short protein forms T18fs.
Identifiers: ClinVar variation 3657266 (VCV003657266.2).